The following is an entry in ClinVar:

NM_001110556.2(FLNA):c.1816G>A (p.Val606Met)

Gene: FLNA (filamin A; minus strand). Cytogenetic location: Xq28.
Variant type: single nucleotide variant.
Coding change: c.1816G>A on transcript NM_001110556.2 (MANE Select); coding-DNA position 1816, G replaced by A.
Protein change: p.Val606Met; replaces valine 606 with methionine.
Molecular consequence: missense variant.
Genome position (GRCh38, 1-based): chrX:154,364,833, C>T on the plus strand (G>A on the coding strand, the complement: FLNA is on the minus strand). VCF-style: chrX-154364833-C-T. GRCh37 (hg19) VCF-style: chrX-153593201-C-T.
Other names: c.1816G>A, p.Val606Met (NM_001456.4); c.1816G>A (NM_001456.3); short protein forms V606M.
Identifiers: ClinVar variation 1381269 (VCV001381269.9), dbSNP rs2067743164, ClinGen allele CA415242256.
Genomic context (GRCh38, chrX:154,364,833, plus strand): 5'-CTTGCCATCGTCTGTCCCCAGGTGCCCATGCTGCAGCCTCCAACTTACCCAGCGTGCCCA[C>T]GTCGTCCCCGATAGCCTCCACCACAAAGTCTGCTGACTTGCCAACGACGCCGCCCTCCAG-3'
Protein context (NP_001104026.1, residues 596-616): DFVVEAIGDD[Val606Met]GTLGFSVEGP

ClinVar aggregate classification (germline): Uncertain significance. Review status: criteria provided, multiple submitters, no conflicts (2 of 4 stars). 2 submissions from 2 submitters: Uncertain significance (2). Last evaluated 2025-01-13.

Conditions:
Heterotopia, periventricular, X-linked dominant (PVNH1). Also called: PERIVENTRICULAR NODULAR HETEROTOPIA 4; HETEROTOPIA, PERIVENTRICULAR, 1; PERIVENTRICULAR NODULAR HETEROTOPIA 1; X-linked periventricular heterotopia. Identifiers: Orphanet 2149, Orphanet 82004, MedGen C1848213, MONDO:0010233, OMIM 300049.
Melnick-Needles syndrome (MNS). Also called: MELNICK-NEEDLES OSTEODYSPLASTY; OSTEODYSPLASTY OF MELNICK AND NEEDLES; Melnick-Needles Syndrome (FLNA-MNS). Identifiers: Orphanet 2484, MedGen C0025237, MONDO:0010650, OMIM 309350.
Frontometaphyseal dysplasia (FMD1). Identifiers: Orphanet 1826, MedGen C0265293, MONDO:0015942.
Oto-palato-digital syndrome, type II (OPD2). Also called: FACIOPALATOOSSEOUS SYNDROME; OPD II SYNDROME; Otopalatodigital Syndrome, Type II; Otopalatodigital Syndrome Type 2 (FLNA-OPD2). Identifiers: Orphanet 669, Orphanet 90652, MedGen C1844696, MONDO:0010571, OMIM 304120.
Familial thoracic aortic aneurysm and aortic dissection (TAAD). Also called: Thoracic aortic aneurysms and dissections. Identifiers: Orphanet 91387, MedGen C4707243, MONDO:0019625.

Allele frequency attached by ClinVar (database versions not stated): gnomAD exomes below 0.00001; gnomAD 0.00001; TOPMed 0.00001.
gnomAD v4.1: 2 of 1,209,803 alleles (0.00017%); highest among the groups gnomAD compares: East Asian, 0.003%; no homozygotes.

Submissions (2):

Ambry Genetics
Classification: Uncertain significance for Familial thoracic aortic aneurysm and aortic dissection. Last evaluated: 2025-01-13. Review status: criteria provided, single submitter. Criteria: Ambry Variant Classification Scheme 2023. Collection method: clinical testing. Allele origin: germline.
Comment: The p.V606M variant (also known as c.1816G>A), located in coding exon 11 of the FLNA gene, results from a G to A substitution at nucleotide position 1816. The valine at codon 606 is replaced by methionine, an amino acid with highly similar properties. This amino acid position is highly conserved in available vertebrate species. In addition, the in silico prediction for this alteration is inconclusive. Based on the available evidence, the clinical significance of this variant remains unclear.

Labcorp Genetics (formerly Invitae), Labcorp
Classification: Uncertain significance for Oto-palato-digital syndrome, type II; Heterotopia, periventricular, X-linked dominant; Frontometaphyseal dysplasia; Melnick-Needles syndrome. Last evaluated: 2024-02-17. Review status: criteria provided, single submitter. Criteria: Invitae Variant Classification Sherloc (09022015). Collection method: clinical testing. Allele origin: germline.
Comment: This sequence change replaces valine, which is neutral and non-polar, with methionine, which is neutral and non-polar, at codon 606 of the FLNA protein (p.Val606Met). This variant is not present in population databases (gnomAD no frequency). This variant has not been reported in the literature in individuals affected with FLNA-related conditions. ClinVar contains an entry for this variant (Variation ID: 1381269). Advanced modeling of protein sequence and biophysical properties (such as structural, functional, and spatial information, amino acid conservation, physicochemical variation, residue mobility, and thermodynamic stability) performed at Invitae indicates that this missense variant is not expected to disrupt FLNA protein function with a negative predictive value of 95%. In summary, the available evidence is currently insufficient to determine the role of this variant in disease. Therefore, it has been classified as a Variant of Uncertain Significance.